The following is an entry in ClinVar:

NM_000038.6(APC):c.758G>A (p.Gly253Asp)

Gene: APC (APC regulator of Wnt signaling pathway; plus strand). Cytogenetic location: 5q22.2.
Variant type: single nucleotide variant.
Coding change: c.758G>A on transcript NM_000038.6 (MANE Select); coding-DNA position 758, G replaced by A.
Protein change: p.Gly253Asp; replaces glycine 253 with aspartic acid.
Molecular consequence: missense variant. On other transcripts: 5 prime UTR variant (1).
Genome position (GRCh38, 1-based): chr5:112,801,307, G>A. VCF-style: chr5-112801307-G-A. GRCh37 (hg19) VCF-style: chr5-112137004-G-A.
Other names: c.758G>A, p.Gly253Asp (NM_001127510.3, NM_001354895.2, NM_001354896.2 and 12 more transcripts); c.704G>A, p.Gly235Asp (NM_001127511.3); c.788G>A, p.Gly263Asp (NM_001354897.2, NM_001354902.2, NM_001407446.1); c.683G>A, p.Gly228Asp (NM_001354898.2, NM_001354904.2, NM_001407451.1); c.674G>A, p.Gly225Asp (NM_001354899.2, NM_001407452.1, NM_001407467.1 and 1 more transcripts); c.581G>A, p.Gly194Asp (NM_001354900.2, NM_001354901.2, NM_001354905.2 and 1 more transcripts); c.-278G>A (NM_001354906.2, NM_001407470.1, NM_001407471.1 and 1 more transcripts); short protein forms G225D, G263D, G228D, G235D, G253D, G194D.
Identifiers: ClinVar variation 1759654 (VCV001759654.2), dbSNP rs2149711602, ClinGen allele CA16022991.

ClinVar aggregate classification (germline): Uncertain significance (1 of 4 stars; one submission).

Conditions:
Hereditary cancer-predisposing syndrome. Also called: Neoplastic Syndromes, Hereditary; Tumor predisposition; Hereditary Cancer Syndrome; Hereditary neoplastic syndrome. Identifiers: Orphanet 140162, MedGen C0027672, MeSH D009386, MONDO:0015356.

Submission:

Ambry Genetics
Classification: Uncertain significance for Hereditary cancer-predisposing syndrome. Last evaluated: 2022-09-16. Review status: criteria provided, single submitter. Criteria: Ambry Variant Classification Scheme 2023. Collection method: clinical testing. Allele origin: germline.
Comment: The p.G253D variant (also known as c.758G>A), located in coding exon 7 of the APC gene, results from a G to A substitution at nucleotide position 758. The glycine at codon 253 is replaced by aspartic acid, an amino acid with similar properties. This amino acid position is not well conserved in available vertebrate species. In addition, in silico predictors for this gene do not accurately predict pathogenicity. Since supporting evidence is limited at this time, the clinical significance of this alteration remains unclear.